The following is an entry in ClinVar:

NM_001040462.3(BTNL8):c.1337A>G (p.Tyr446Cys)

Genes: BTNL8 (butyrophilin like 8; plus strand), LOC126807633 (CDK7 strongly-dependent group 2 enhancer GRCh37_chr5:180376978-180378177; plus strand). Cytogenetic location: 5q35.3.
Variant type: single nucleotide variant.
Coding change: c.1337A>G on transcript NM_001040462.3 (MANE Select); coding-DNA position 1337, A replaced by G.
Protein change: p.Tyr446Cys; replaces tyrosine 446 with cysteine.
Molecular consequence: missense variant. On other transcripts: 3 prime UTR variant (2).
Genome position (GRCh38, 1-based): chr5:180,950,378, A>G. VCF-style: chr5-180950378-A-G. GRCh37 (hg19) VCF-style: chr5-180377378-A-G.
Other names: c.989A>G, p.Tyr330Cys (NM_001159707.2); c.*423A>G (NM_001159708.2, NM_024850.3); c.962A>G, p.Tyr321Cys (NM_001159709.2); c.785A>G, p.Tyr262Cys (NM_001159710.2); short protein forms Y262C, Y321C, Y330C, Y446C.
Identifiers: ClinVar variation 4533881 (VCV004533881.6).

ClinVar aggregate classification (germline): Likely benign (1 of 4 stars; one submission).

Submission:

CeGaT Center for Human Genetics Tuebingen
Classification: Likely benign. Last evaluated: 2025-10-01. Review status: criteria provided, single submitter. Criteria: CeGaT Center For Human Genetics Tuebingen Variant Classification Criteria Version 2. Collection method: clinical testing. Allele origin: germline. Affected: yes. Observed: 1 variant allele.
Comment: BTNL8: BP4, BS2